The following is an entry in ClinVar:

NM_000136.3(FANCC):c.677C>A (p.Ala226Asp)

Genes: AOPEP (aminopeptidase O (putative); plus strand), FANCC (FA complementation group C; minus strand). Cytogenetic location: 9q22.32.
Variant type: single nucleotide variant.
Coding change: c.677C>A on transcript NM_000136.3 (MANE Select); coding-DNA position 677, C replaced by A.
Protein change: p.Ala226Asp; replaces alanine 226 with aspartic acid.
Molecular consequence: missense variant.
Genome position (GRCh38, 1-based): chr9:95,149,932, G>T on the plus strand (C>A on the coding strand, the complement: FANCC is on the minus strand). VCF-style: chr9-95149932-G-T. GRCh37 (hg19) VCF-style: chr9-97912214-G-T.
Other names: c.677C>A, p.Ala226Asp (NM_001243743.2, NM_001243744.2); short protein forms A226D.
Identifiers: ClinVar variation 826613 (VCV000826613.6), dbSNP rs1166491683, ClinGen allele CA374109528.

ClinVar aggregate classification (germline): Uncertain significance (1 of 4 stars; one submission).

Conditions:
Hereditary cancer-predisposing syndrome. Also called: Neoplastic Syndromes, Hereditary; Tumor predisposition; Hereditary neoplastic syndrome; Hereditary Cancer Syndrome. Identifiers: Orphanet 140162, MedGen C0027672, MeSH D009386, MONDO:0015356.

gnomAD v4.1: 2 of 1,602,962 alleles (0.00012%); highest among the groups gnomAD compares: South Asian, 0.0011%; no homozygotes.

Submission:

Ambry Genetics
Classification: Uncertain significance for Hereditary cancer-predisposing syndrome. Last evaluated: 2025-10-17. Review status: criteria provided, single submitter. Criteria: Ambry Variant Classification Scheme 2023. Collection method: clinical testing. Allele origin: germline.
Comment: The p.A226D variant (also known as c.677C>A), located in coding exon 6 of the FANCC gene, results from a C to A substitution at nucleotide position 677. The alanine at codon 226 is replaced by aspartic acid, an amino acid with dissimilar properties. This amino acid position is highly conserved in available vertebrate species. In addition, this alteration is predicted to be deleterious by in silico analysis. Since supporting evidence is limited at this time, the clinical significance of this alteration remains unclear.